The following is an entry in ClinVar:

ClinVar aggregate classification (germline): Uncertain significance (1 of 4 stars; one submission).

Conditions:
Hypertrophic cardiomyopathy. Also called: HYPERTROPHIC MYOCARDIOPATHY. Identifiers: Orphanet 217569, MedGen C0007194, MeSH D002312, MONDO:0005045, HP:0001639.

Allele frequency attached by ClinVar (database versions not stated): gnomAD 0.00001.
gnomAD v4.1: 2 of 1,614,086 alleles (0.00012%); highest among the groups gnomAD compares: African/African-American, 0.0013%; no homozygotes.

Submission:

All of Us Research Program, National Institutes of Health
Classification: Uncertain significance for Hypertrophic cardiomyopathy. Last evaluated: 2023-03-04. Review status: criteria provided, single submitter. Criteria: ACMG Guidelines, 2015. Collection method: clinical testing. Allele origin: germline. Inheritance: Autosomal dominant inheritance. Observed: 1 variant allele, 1 heterozygote.
Comment: This study involves interpretation of variants in research participants for the purpose of population health screening. Participant phenotype was not available at the time of variant classification. Additional details can be found in publication PMID: 35346344, PMCID: PMC8962531

NM_016203.4(PRKAG2):c.623C>T (p.Ser208Phe)

Gene: PRKAG2 (protein kinase AMP-activated non-catalytic subunit gamma 2; minus strand). Cytogenetic location: 7q36.1.
Variant type: single nucleotide variant.
Coding change: c.623C>T on transcript NM_016203.4 (MANE Select); coding-DNA position 623, C replaced by T.
Protein change: p.Ser208Phe; replaces serine 208 with phenylalanine.
Molecular consequence: missense variant. On other transcripts: intron variant (5).
Genome position (GRCh38, 1-based): chr7:151,675,481, G>A on the plus strand (C>T on the coding strand, the complement: PRKAG2 is on the minus strand). VCF-style: chr7-151675481-G-A. GRCh37 (hg19) VCF-style: chr7-151372567-G-A.
Other names: c.491C>T, p.Ser164Phe (NM_001040633.2, NM_001407024.1, NM_001407026.1 and 1 more transcripts); c.251C>T, p.Ser84Phe (NM_001304527.2, NM_001363698.2, NM_001407028.1 and 1 more transcripts); c.623C>T, p.Ser208Phe (NM_001407021.1, NM_001407022.1, NM_001407023.1); c.305C>T, p.Ser102Phe (NM_001407032.1); c.467-80030C>T (NM_001407031.1); c.467-80027C>T (NM_001407030.1); c.361-43343C>T (NM_001407033.1); c.94+60419C>T (NM_001407037.1); and 1 more; short protein forms S102F, S164F, S208F, S84F.
Identifiers: ClinVar variation 3069466 (VCV003069466.1), dbSNP rs1832769328, ClinGen allele CA370187286.
Genomic context (GRCh38, chr7:151,675,481, plus strand): 5'-GCTTTGGAGGGAGCATAGTGTGTCGGTGATGCCAGTGGAGGCCTGGTCGGGCTCTGGAAG[G>A]AAGACGGGCAGAACCTCTGCCCTGTGTCCGGGGGGGAAGACGAGGCATAGATGCGATTCT-3'
Protein context (NP_057287.2, residues 198-218): PDTGQRFCPS[Ser208Phe]FQSPTRPPLA